The following is an entry in ClinVar:

NM_014516.4(CNOT3):c.1686G>A (p.Thr562=)

Gene: CNOT3 (CCR4-NOT transcription complex subunit 3; plus strand). Cytogenetic location: 19q13.42.
Variant type: single nucleotide variant.
Coding change: c.1686G>A on transcript NM_014516.4 (MANE Select); coding-DNA position 1686, G replaced by A.
Protein change: p.Thr562=; no amino-acid change (threonine 562 retained).
Molecular consequence: synonymous variant.
Genome position (GRCh38, 1-based): chr19:54,152,306, G>A. VCF-style: chr19-54152306-G-A. GRCh37 (hg19) VCF-style: chr19-54656043-G-A.
Other names: c.1686G>A (NM_014516.3).
Identifiers: ClinVar variation 2868997 (VCV002868997.6), dbSNP rs755814660, ClinGen allele CA309340523.
Genomic context (GRCh38, chr19:54,152,306, plus strand): 5'-CTTGAAGTCCATGGCGGAACGGGCAGCCATCAGCTCTGGCATTGAGGACCCTGTGCCAAC[G>A]CTGCACCTGACCGAGCGAGGTGAGGGACCCAGGATGGTGGGGAAGCAGCGGGCCAAAGAG-3'
Protein context (NP_055331.1, residues 552-572): ISSGIEDPVP[Thr562=]LHLTERDIIL

ClinVar aggregate classification (germline): Likely benign. Review status: criteria provided, multiple submitters, no conflicts (2 of 4 stars). 3 submissions from 3 submitters: Likely benign (2). 1 of the submissions does not count toward it. Last evaluated 2025-10-21.

Conditions:
CNOT3-related disorder. Also called: CNOT3-related condition.

Allele frequency attached by ClinVar (database versions not stated): ExAC 0.00002; gnomAD 0.00003; TOPMed 0.00003; gnomAD exomes 0.00005.
gnomAD v4.1: 78 of 1,614,074 alleles (0.0048%); highest among the groups gnomAD compares: Non-Finnish European, 0.0061%; no homozygotes.

Submissions (3):

Labcorp Genetics (formerly Invitae), Labcorp
Classification: Likely benign. Last evaluated: 2025-10-21. Review status: criteria provided, single submitter. Criteria: Invitae Variant Classification Sherloc (09022015). Collection method: clinical testing. Allele origin: germline.

Blueprint Genetics
Classification: Likely benign. Last evaluated: 2023-04-04. Review status: criteria provided, single submitter. Criteria: ACMG Guidelines, 2015. Collection method: clinical testing. Allele origin: germline.

PreventionGenetics, part of Exact Sciences
Classification: Likely benign for CNOT3-related condition. Last evaluated: 2019-05-01. Review status: no assertion criteria provided. Collection method: clinical testing. Allele origin: germline. Not counted in ClinVar's aggregate classification.
Comment: This variant is classified as likely benign based on ACMG/AMP sequence variant interpretation guidelines (Richards et al. 2015 PMID: 25741868, with internal and published modifications).